The following is an entry in ClinVar:

NM_022124.6(CDH23):c.4773G>A (p.Pro1591=)

Gene: CDH23 (cadherin related 23; plus strand). Cytogenetic location: 10q22.1.
Variant type: single nucleotide variant.
Coding change: c.4773G>A on transcript NM_022124.6 (MANE Select); coding-DNA position 4773, G replaced by A.
Protein change: p.Pro1591=; no amino-acid change (proline 1591 retained).
Molecular consequence: synonymous variant.
Genome position (GRCh38, 1-based): chr10:71,741,849, G>A. VCF-style: chr10-71741849-G-A. GRCh37 (hg19) VCF-style: chr10-73501606-G-A.
Identifiers: ClinVar variation 1093757 (VCV001093757.12), dbSNP rs376037961, ClinGen allele CA5545147.

ClinVar aggregate classification (germline): Likely benign. Review status: criteria provided, multiple submitters, no conflicts (2 of 4 stars). 3 submissions from 3 submitters: Likely benign (2). 1 of the submissions does not count toward it. Last evaluated 2026-01-26.

Conditions:
CDH23-related disorder. Also called: CDH23-related condition; CDH23-related disorders.

Allele frequency attached by ClinVar (database versions not stated): TOPMed 0.00001; gnomAD exomes 0.00006; ExAC 0.00007.
gnomAD v4.1: 51 of 1,610,918 alleles (0.0032%); highest among the groups gnomAD compares: South Asian, 0.015%; no homozygotes.

Submissions (3):

Labcorp Genetics (formerly Invitae), Labcorp
Classification: Likely benign. Last evaluated: 2026-01-26. Review status: criteria provided, single submitter. Criteria: Invitae Variant Classification Sherloc (09022015). Collection method: clinical testing. Allele origin: germline.

Women's Health and Genetics/Laboratory Corporation of America, LabCorp
Classification: Likely benign. Last evaluated: 2022-05-18. Review status: criteria provided, single submitter. Criteria: LabCorp Variant Classification Summary - May 2015. Collection method: clinical testing. Allele origin: germline.
Comment: Variant summary: CDH23 c.4773G>A alters a conserved nucleotide resulting in a synonymous change. 4/4 computational tools predict no significant impact on normal splicing. However, these predictions have yet to be confirmed by functional studies. The variant allele was found at a frequency of 6.2e-05 in 241812 control chromosomes. This frequency is not significantly higher than expected for a pathogenic variant in CDH23 causing Usher Syndrome (6.2e-05 vs 0.0032), allowing no conclusion about variant significance. c.4773G>A has been reported in the literature in one individual affected with Usher Syndrome (Oshima_2008). The report does not provide unequivocal conclusions about association of the variant with Usher Syndrome. To our knowledge, no experimental evidence demonstrating an impact on protein function has been reported. One ClinVar submitter (evaluation after 2014) cites the variant as likely benign. Based on the evidence outlined above, the variant was classified as likely benign.

PreventionGenetics, part of Exact Sciences
Classification: Likely benign for CDH23-related condition. Last evaluated: 2019-09-19. Review status: no assertion criteria provided. Collection method: clinical testing. Allele origin: germline. Not counted in ClinVar's aggregate classification.
Comment: This variant is classified as likely benign based on ACMG/AMP sequence variant interpretation guidelines (Richards et al. 2015 PMID: 25741868, with internal and published modifications).

Literature cited by the submitters: PubMed 18429043 (cited by Women's Health and Genetics/Laboratory Corporation of America, LabCorp).